The following is an entry in ClinVar:

NM_000525.4(KCNJ11):c.583C>T (p.Arg195Cys)

Gene: KCNJ11 (potassium inwardly rectifying channel subfamily J member 11; minus strand). Cytogenetic location: 11p15.1.
Variant type: single nucleotide variant.
Coding change: c.583C>T on transcript NM_000525.4 (MANE Select); coding-DNA position 583, C replaced by T.
Protein change: p.Arg195Cys; replaces arginine 195 with cysteine.
Molecular consequence: missense variant.
Genome position (GRCh38, 1-based): chr11:17,387,509, G>A on the plus strand (C>T on the coding strand, the complement: KCNJ11 is on the minus strand). VCF-style: chr11-17387509-G-A. GRCh37 (hg19) VCF-style: chr11-17409056-G-A.
Other names: c.322C>T, p.Arg108Cys (NM_001166290.2, NM_001377296.1, NM_001377297.1); short protein forms R108C, R195C.
Identifiers: ClinVar variation 5003502 (VCV005003502.1).

ClinVar aggregate classification (germline): Uncertain significance (1 of 4 stars; one submission).

Conditions:
Hyperinsulinemic hypoglycemia, familial, 2. Also called: HYPERINSULINEMIC HYPOGLYCEMIA, PERSISTENT; HYPERINSULINISM, NEONATAL. Identifiers: Orphanet 276580, Orphanet 276603, MedGen C2931833, MONDO:0011153, OMIM 601820. Disease mechanism: loss of function.

gnomAD v4.1: 2 of 1,611,998 alleles (0.00012%); highest among the groups gnomAD compares: Admixed American, 0.0017%; no homozygotes.

Submission:

Myriad Genetics, Inc.
Classification: Uncertain significance for Hyperinsulinemic hypoglycemia, familial, 2. Last evaluated: 2026-06-09. Review status: criteria provided, single submitter. Criteria: Myriad Autosomal Dominant, Autosomal Recessive and X-Linked Classification Criteria (2023). Collection method: clinical testing. Allele origin: unknown.
Comment: NM_000525.3(KCNJ11):c.583C>T(R195C) is a missense variant classified as a variant of uncertain significance in the context of familial hyperinsulinism, KCNJ11-related. R195C has not been observed in cases with relevant disease. Relevant functional assessments of this variant are not available in the literature. R195C has been observed in referenced population frequency databases. In summary, there is insufficient evidence to classify NM_000525.3(KCNJ11):c.583C>T(R195C) as pathogenic or benign. Please note: this variant was assessed in the context of healthy population screening.